The following is an entry in ClinVar:

ClinVar aggregate classification (germline): Uncertain significance. Review status: criteria provided, multiple submitters, no conflicts (2 of 4 stars). 2 submissions from 2 submitters: Uncertain significance (2). Last evaluated 2026-01-13.

Conditions:
Inborn genetic diseases. Identifiers: MedGen C0950123, MeSH D030342.

Allele frequency attached by ClinVar (database versions not stated): TOPMed below 0.00001; gnomAD 0.00001.

Submissions (2):

Ambry Genetics
Classification: Uncertain significance for Inborn genetic diseases. Last evaluated: 2026-01-13. Review status: criteria provided, single submitter. Criteria: Ambry Variant Classification Scheme 2023. Collection method: clinical testing. Allele origin: germline.
Comment: The p.P515L variant (also known as c.1544C>T), located in coding exon 9 of the RECQL4 gene, results from a C to T substitution at nucleotide position 1544. The proline at codon 515 is replaced by leucine, an amino acid with similar properties. This amino acid position is conserved. In addition, this alteration is predicted to be deleterious by in silico analysis. Based on the available evidence, the clinical significance of this variant remains unclear.

GeneDx
Classification: Uncertain significance. Last evaluated: 2019-12-17. Review status: criteria provided, single submitter. Criteria: GeneDx Variant Classification Process June 2021. Collection method: clinical testing. Allele origin: germline. Affected: yes.
Comment: Not observed at a significant frequency in large population cohorts (Lek et al., 2016); In silico analysis, which includes protein predictors and evolutionary conservation, supports a deleterious effect; Has not been previously published as pathogenic or benign to our knowledge

NM_004260.4(RECQL4):c.1544C>T (p.Pro515Leu)

Gene: RECQL4 (RecQ like helicase 4; minus strand). Cytogenetic location: 8q24.3.
Variant type: single nucleotide variant.
Coding change: c.1544C>T on transcript NM_004260.4 (MANE Select); coding-DNA position 1544, C replaced by T.
Protein change: p.Pro515Leu; replaces proline 515 with leucine.
Molecular consequence: missense variant.
Genome position (GRCh38, 1-based): chr8:144,515,012, G>A on the plus strand (C>T on the coding strand, the complement: RECQL4 is on the minus strand). VCF-style: chr8-144515012-G-A. GRCh37 (hg19) VCF-style: chr8-145740396-G-A.
Other names: short protein forms P515L.
Identifiers: ClinVar variation 1310470 (VCV001310470.3), dbSNP rs1260540483, ClinGen allele CA372683914.